The following is an entry in ClinVar:

NM_000063.6(C2):c.1478G>A (p.Arg493Gln)

Gene: C2 (complement C2; plus strand). Cytogenetic location: 6p21.33.
Variant type: single nucleotide variant.
Coding change: c.1478G>A on transcript NM_000063.6 (MANE Select); coding-DNA position 1478, G replaced by A.
Protein change: p.Arg493Gln; replaces arginine 493 with glutamine.
Molecular consequence: missense variant.
Genome position (GRCh38, 1-based): chr6:31,943,438, G>A. VCF-style: chr6-31943438-G-A. GRCh37 (hg19) VCF-style: chr6-31911215-G-A.
Other names: c.1082G>A, p.Arg361Gln (NM_001145903.3); c.836G>A, p.Arg279Gln (NM_001178063.3); c.740G>A, p.Arg247Gln (NM_001282457.2); c.1391G>A, p.Arg464Gln (NM_001282458.2); short protein forms R279Q, R464Q, R493Q, R247Q, R361Q.
Identifiers: ClinVar variation 1449369 (VCV001449369.9), dbSNP rs544657195, ClinGen allele CA3727717.

ClinVar aggregate classification (germline): Uncertain significance. Review status: criteria provided, multiple submitters, no conflicts (2 of 4 stars). 2 submissions from 2 submitters: Uncertain significance (2). Last evaluated 2025-12-01.

Allele frequency attached by ClinVar (database versions not stated): gnomAD 0.00003 and 0.00009; TOPMed 0.00003; gnomAD exomes 0.00010 and 0.00024; ExAC 0.00023; 1000 Genomes Project 30x 0.00078; 1000 Genomes Project 0.00080.
gnomAD v4.1: 170 of 1,612,844 alleles (0.011%); highest among the groups gnomAD compares: South Asian, 0.17%; no homozygotes.

Submissions (2):

Labcorp Genetics (formerly Invitae), Labcorp
Classification: Uncertain significance. Last evaluated: 2025-12-01. Review status: criteria provided, single submitter. Criteria: Invitae Variant Classification Sherloc (09022015). Collection method: clinical testing. Allele origin: germline.
Comment: This sequence change replaces arginine, which is basic and polar, with glutamine, which is neutral and polar, at codon 493 of the C2 protein (p.Arg493Gln). This variant is present in population databases (rs544657195, gnomAD 0.2%). This variant has not been reported in the literature in individuals affected with C2-related conditions. ClinVar contains an entry for this variant (Variation ID: 1449369). Invitae Evidence Modeling of protein sequence and biophysical properties (such as structural, functional, and spatial information, amino acid conservation, physicochemical variation, residue mobility, and thermodynamic stability) indicates that this missense variant is not expected to disrupt C2 protein function with a negative predictive value of 80%. In summary, the available evidence is currently insufficient to determine the role of this variant in disease. Therefore, it has been classified as a Variant of Uncertain Significance.

Blueprint Genetics
Classification: Uncertain significance. Last evaluated: 2024-07-18. Review status: criteria provided, single submitter. Criteria: ACMG Guidelines, 2015. Collection method: clinical testing. Allele origin: germline.